The following is an entry in ClinVar:

ClinVar aggregate classification (germline): Uncertain significance (1 of 4 stars; one submission).

Conditions:
Combined immunodeficiency due to LRBA deficiency. Also called: Common variable immunodeficiency 8, with autoimmunity. Identifiers: Orphanet 445018, MedGen C3553512, MONDO:0013863, OMIM 614700.

gnomAD v4.1: 5 of 1,578,038 alleles (0.00032%); highest among the groups gnomAD compares: Non-Finnish European, 0.00043%; no homozygotes.

Submission:

Labcorp Genetics (formerly Invitae), Labcorp
Classification: Uncertain significance for Combined immunodeficiency due to LRBA deficiency. Last evaluated: 2025-09-28. Review status: criteria provided, single submitter. Criteria: Invitae Variant Classification Sherloc (09022015). Collection method: clinical testing. Allele origin: germline.
Comment: This sequence change replaces leucine, which is neutral and non-polar, with valine, which is neutral and non-polar, at codon 932 of the LRBA protein (p.Leu932Val). The frequency data for this variant in the population databases is considered unreliable, as metrics indicate poor data quality at this position in the gnomAD database. This variant has not been reported in the literature in individuals affected with LRBA-related conditions. Invitae Evidence Modeling of protein sequence and biophysical properties (such as structural, functional, and spatial information, amino acid conservation, physicochemical variation, residue mobility, and thermodynamic stability) indicates that this missense variant is expected to disrupt LRBA protein function with a positive predictive value of 80%. In summary, the available evidence is currently insufficient to determine the role of this variant in disease. Therefore, it has been classified as a Variant of Uncertain Significance.

NM_001364905.1(LRBA):c.2794C>G (p.Leu932Val)

Gene: LRBA (LPS responsive beige-like anchor protein; minus strand). Cytogenetic location: 4q31.3.
Variant type: single nucleotide variant.
Coding change: c.2794C>G on transcript NM_001364905.1 (MANE Select); coding-DNA position 2794, C replaced by G.
Protein change: p.Leu932Val; replaces leucine 932 with valine.
Molecular consequence: missense variant.
Genome position (GRCh38, 1-based): chr4:150,852,916, G>C on the plus strand (C>G on the coding strand, the complement: LRBA is on the minus strand). VCF-style: chr4-150852916-G-C. GRCh37 (hg19) VCF-style: chr4-151774068-G-C.
Other names: c.2794C>G, p.Leu932Val (NM_001199282.3, NM_001367550.1, NM_001440430.1 and 2 more transcripts); short protein forms L932V.
Identifiers: ClinVar variation 4696376 (VCV004696376.1).
Genomic context (GRCh38, chr4:150,852,916, plus strand): 5'-AAGAACACAGCCCTATTTCTTCATCAACTTTTCCTTGCTGTTCCCTAAATATATTGGCAA[G>C]GTTTTCTTTGTGTATTTCAAAAGTGACCTAGGTGAAAAATGTACAATCAGTTAAAATATG-3'
Protein context (NP_001351834.1, residues 922-942): KVTFEIHKEN[Leu932Val]ANIFREQQGK